The following is an entry in ClinVar:

NM_000090.4(COL3A1):c.1189_1194+23del

Gene: COL3A1 (collagen type III alpha 1 chain; plus strand). Cytogenetic location: 2q32.2.
Variant type: Deletion.
Coding change: c.1189_1194+23del on transcript NM_000090.4 (MANE Select); coding-DNA position 1189 through 23 bases into the intron after coding-DNA position 1194, 29 bases deleted (GAAATGGTAAGCTGTCCCCACTCCTCAGC).
Molecular consequence: splice donor variant.
Genome position (GRCh38, 1-based): chr2:188,994,077-188,994,105, GAAATGGTAAGCTGTCCCCACTCCTCAGC deleted; deleting any 29 consecutive bases within chr2:188,994,075-188,994,105 gives the same sequence; the c. name uses the placement nearest the transcript's 3' end. VCF-style (leftmost placement, unchanged base first): chr2-188994074-GGCGAAATGGTAAGCTGTCCCCACTCCTCA-G. GRCh37 (hg19) VCF-style: chr2-189858800-GGCGAAATGGTAAGCTGTCCCCACTCCTCA-G.
Identifiers: ClinVar variation 101117 (VCV000101117.4), dbSNP rs587779430, ClinGen allele CA285858.

ClinVar aggregate classification (germline): Likely pathogenic. Review status: criteria provided, single submitter (1 of 4 stars). 2 submissions from 2 submitters: Likely pathogenic (1). 1 of the submissions does not count toward it. Last evaluated 2024-04-05.

Conditions:
Ehlers-Danlos syndrome, type 4 (EDSVASC). Also called: Ehlers-Danlos syndrome vascular type; Ehlers Danlos syndrome, ecchymotic type; Ehlers Danlos syndrome, arterial type; Ehlers Danlos syndrome, Sack-Barabas type; Ehlers-Danlos Syndrome Type IV. Identifiers: Orphanet 286, MedGen C0268338, MONDO:0017314, OMIM 130050.

Submissions (2):

Labcorp Genetics (formerly Invitae), Labcorp
Classification: Likely pathogenic for Ehlers-Danlos syndrome, type 4. Last evaluated: 2024-04-05. Review status: criteria provided, single submitter. Criteria: Invitae Variant Classification Sherloc (09022015). Collection method: clinical testing. Allele origin: germline.
Comment: This variant results in the deletion of part of exon 17 (c.1189_1194+23del) of the COL3A1 gene. It is expected to disrupt RNA splicing. Variants that disrupt the donor or acceptor splice site typically lead to a loss of protein function (PMID: 16199547), and loss-of-function variants in COL3A1 are known to be pathogenic (PMID: 24922459). This variant is not present in population databases (gnomAD no frequency). This variant has not been reported in the literature in individuals affected with COL3A1-related conditions. ClinVar contains an entry for this variant (Variation ID: 101117). In summary, the currently available evidence indicates that the variant is pathogenic, but additional data are needed to prove that conclusively. Therefore, this variant has been classified as Likely Pathogenic.

Collagen Diagnostic Laboratory, University of Washington
Classification: Pathogenic for Ehlers-Danlos syndrome, type 4. Review status: no assertion criteria provided. Collection method: clinical testing. Allele origin: germline. Affected: yes. Not counted in ClinVar's aggregate classification.

Literature cited by the submitters: PubMed 16199547 (cited by Labcorp Genetics (formerly Invitae), Labcorp); PubMed 24922459 (cited by Labcorp Genetics (formerly Invitae), Labcorp).